The following is an entry in ClinVar:

NM_018670.4(MESP1):c.469G>A (p.Ala157Thr)

Genes: MESP1 (mesoderm posterior bHLH transcription factor 1; minus strand), LOC130057888 (ATAC-STARR-seq lymphoblastoid silent region 6803; plus strand). Cytogenetic location: 15q26.1.
Variant type: single nucleotide variant.
Coding change: c.469G>A on transcript NM_018670.4 (MANE Select); coding-DNA position 469, G replaced by A.
Protein change: p.Ala157Thr; replaces alanine 157 with threonine.
Molecular consequence: missense variant.
Genome position (GRCh38, 1-based): chr15:89,750,763, C>T on the plus strand (G>A on the coding strand, the complement: MESP1 is on the minus strand). VCF-style: chr15-89750763-C-T. GRCh37 (hg19) VCF-style: chr15-90293994-C-T.
Other names: short protein forms A157T.
Identifiers: ClinVar variation 3294276 (VCV003294276.2).

ClinVar aggregate classification (germline): Uncertain significance. Review status: criteria provided, multiple submitters, no conflicts (2 of 4 stars). 2 submissions from 2 submitters: Uncertain significance (2). Last evaluated 2025-11-30.

Submissions (2):

Labcorp Genetics (formerly Invitae), Labcorp
Classification: Uncertain significance. Last evaluated: 2025-11-30. Review status: criteria provided, single submitter. Criteria: Invitae Variant Classification Sherloc (09022015). Collection method: clinical testing. Allele origin: germline.
Comment: This sequence change replaces alanine, which is neutral and non-polar, with threonine, which is neutral and polar, at codon 157 of the MESP1 protein (p.Ala157Thr). This variant is not present in population databases (gnomAD no frequency). This variant has not been reported in the literature in individuals affected with MESP1-related conditions. ClinVar contains an entry for this variant (Variation ID: 3294276). An algorithm developed to predict the effect of missense changes on protein structure and function (PolyPhen-2) suggests that this variant is likely to be tolerated. In summary, the available evidence is currently insufficient to determine the role of this variant in disease. Therefore, it has been classified as a Variant of Uncertain Significance.

Ambry Genetics
Classification: Uncertain significance. Last evaluated: 2024-03-15. Review status: criteria provided, single submitter. Criteria: Ambry Variant Classification Scheme 2023. Collection method: clinical testing. Allele origin: germline.